The following is an entry in ClinVar:

NM_001365951.3(KIF1B):c.3392C>T (p.Pro1131Leu)

Gene: KIF1B (kinesin family member 1B; plus strand). Cytogenetic location: 1p36.22.
Variant type: single nucleotide variant.
Coding change: c.3392C>T on transcript NM_001365951.3 (MANE Select); coding-DNA position 3392, C replaced by T.
Protein change: p.Pro1131Leu; replaces proline 1131 with leucine.
Molecular consequence: missense variant.
Genome position (GRCh38, 1-based): chr1:10,337,503, C>T. VCF-style: chr1-10337503-C-T. GRCh37 (hg19) VCF-style: chr1-10397561-C-T.
Other names: c.3392C>T, p.Pro1131Leu (NM_001365952.1); c.3254C>T, p.Pro1085Leu (NM_015074.3); short protein forms P1085L, P1131L.
Identifiers: ClinVar variation 2448735 (VCV002448735.2), dbSNP rs2521722292, ClinGen allele CA338340692.

ClinVar aggregate classification (germline): Uncertain significance (1 of 4 stars; one submission).

Submission:

Ambry Genetics
Classification: Uncertain significance. Last evaluated: 2022-12-23. Review status: criteria provided, single submitter. Criteria: Ambry Variant Classification Scheme 2023. Collection method: clinical testing. Allele origin: germline.
Comment: The p.P1085L variant (also known as c.3254C>T), located in coding exon 28 of the KIF1B gene, results from a C to T substitution at nucleotide position 3254. The proline at codon 1085 is replaced by leucine, an amino acid with similar properties. This amino acid position is conserved. In addition, the in silico prediction for this alteration is inconclusive. Since supporting evidence is limited at this time, the clinical significance of this alteration remains unclear.